The following is an entry in ClinVar:

NM_000484.4(APP):c.982C>T (p.Arg328Trp)

Gene: APP (amyloid beta precursor protein; minus strand). Cytogenetic location: 21q21.3.
Variant type: single nucleotide variant.
Coding change: c.982C>T on transcript NM_000484.4 (MANE Select); coding-DNA position 982, C replaced by T.
Protein change: p.Arg328Trp; replaces arginine 328 with tryptophan.
Molecular consequence: missense variant. On other transcripts: intron variant (5).
Genome position (GRCh38, 1-based): chr21:26,000,066, G>A on the plus strand (C>T on the coding strand, the complement: APP is on the minus strand). VCF-style: chr21-26000066-G-A. GRCh37 (hg19) VCF-style: chr21-27372381-G-A.
Other names: p.Arg328Trp; c.967C>T, p.Arg323Trp (NM_001136016.3); c.814C>T, p.Arg272Trp (NM_001136130.3); c.982C>T, p.Arg328Trp (NM_001204301.2, NM_001204302.2, NM_201413.3); c.761-17589C>T (NM_001136131.3); c.698-17589C>T (NM_001136129.3); c.866-17589C>T (NM_001204303.2, NM_201414.3); c.866-2650C>T (NM_001385253.1); short protein forms R323W, R272W, R328W.
Identifiers: ClinVar variation 896374 (VCV000896374.14), dbSNP rs200978018, ClinGen allele CA9987483.

ClinVar aggregate classification (germline): Conflicting classifications of pathogenicity. Review status: criteria provided, conflicting classifications (1 of 4 stars). 7 submissions from 7 submitters: Uncertain significance (4); Likely benign (2). 1 of the submissions does not count toward it. Last evaluated 2025-12-29.

Conditions:
Alzheimer disease. Also called: Presenile and senile dementia; Alzheimer's disease. Identifiers: Orphanet 1020, MedGen C0002395, MeSH D000544, MONDO:0004975, HP:0002511.

Allele frequency attached by ClinVar (database versions not stated): gnomAD 0.00017 and 0.00019; gnomAD exomes 0.00018 and 0.00038; TOPMed 0.00018; ExAC 0.00022.
gnomAD v4.1: 576 of 1,613,970 alleles (0.036%); highest among the groups gnomAD compares: Non-Finnish European, 0.046%; no homozygotes.

Submissions (7):

Labcorp Genetics (formerly Invitae), Labcorp
Classification: Likely benign for Alzheimer disease. Last evaluated: 2025-12-29. Review status: criteria provided, single submitter. Criteria: Invitae Variant Classification Sherloc (09022015). Collection method: clinical testing. Allele origin: germline.

ARUP Laboratories, Molecular Genetics and Genomics, ARUP Laboratories
Classification: Uncertain significance. Last evaluated: 2025-07-24. Review status: criteria provided, single submitter. Criteria: ARUP Molecular Germline Variant Investigation Process 2024. Collection method: clinical testing. Allele origin: germline.
Comment: The APP c.982C>T; p.Arg328Trp variant (rs200978018, ClinVar Variation ID 896374) is reported in the literature in both affected and unaffected healthy individuals; one affected individual had dementia and another had late-onset Alzheimerâ€™s disease (Liddell 1995, Perrone 2020, Weihl 2015). This variant is found predominantly in the non-Finnish European population with an allele frequency of 0.03% (43/129002 alleles) in the Genome Aggregation Database (v2.1.1). Computational analyses are uncertain whether this variant is neutral or deleterious (REVEL: 0.484). However, given the lack of functional data, the significance of this variant is uncertain at this time. References: Liddell MB et al. No evidence that common allelic variation in the Amyloid Precursor Protein (APP) gene confers susceptibility to Alzheimer's disease. Hum Mol Genet. 1995 May. PMID: 7633445 Perrone F et al. Amyloid-ÃŸ(1-43) cerebrospinal fluid levels and the interpretation of APP, PSEN1 and PSEN2 mutations. Alzheimers Res Ther. 2020 Sep 11. PMID: 32917274 Weihl CC et al. Targeted sequencing and identification of genetic variants in sporadic inclusion body myositis. Neuromuscul Disord. 2015 Apr. PMID: 25617006

Mayo Clinic Laboratories, Mayo Clinic
Classification: Uncertain significance. Last evaluated: 2025-04-21. Review status: criteria provided, single submitter. Criteria: ACMG Guidelines, 2015. Collection method: clinical testing. Allele origin: germline. Observed: 1 variant allele.
Comment: BS2

Women's Health and Genetics/Laboratory Corporation of America, LabCorp
Classification: Uncertain significance. Last evaluated: 2022-01-04. Review status: criteria provided, single submitter. Criteria: LabCorp Variant Classification Summary - May 2015. Collection method: clinical testing. Allele origin: germline.
Comment: Variant summary: APP c.982C>T (p.Arg328Trp) results in a non-conservative amino acid change located in the Pancreatic trypsin inhibitor Kunitz domain of the encoded protein sequence. Four of five in-silico tools predict a damaging effect of the variant on protein function. The variant allele was found at a frequency of 0.00018 in 251186 control chromosomes. c.982C>T has been reported in the literature in individuals affected with Alzheimer Disease (Liddell_1995, Perrone_2020) and a dementia patient with sporadic inclusion body myositis (Weihl_2015), without strong evidence for causality. These reports do not provide unequivocal conclusions about association of the variant with Alzheimer Disease. To our knowledge, no experimental evidence demonstrating an impact on protein function has been reported. One clinical diagnostic laboratory has submitted clinical-significance assessments for this variant to ClinVar after 2014 without evidence for independent evaluation. One laboratory classified the variant as uncertain significance. Based on the evidence outlined above, the variant was classified as uncertain significance.

GeneDx
Classification: Likely benign. Last evaluated: 2019-09-30. Review status: criteria provided, single submitter. Criteria: GeneDx Variant Classification Process June 2021. Collection method: clinical testing. Allele origin: germline. Affected: yes.
Comment: See Variant Classification Assertion Criteria.

Illumina Laboratory Services, Illumina
Classification: Uncertain significance for Alzheimer disease type 1. Last evaluated: 2018-01-13. Review status: criteria provided, single submitter. Criteria: ICSL Variant Classification Criteria 13 December 2019. Collection method: clinical testing. Allele origin: germline.

Department of Pathology and Laboratory Medicine, Sinai Health System
Classification: Uncertain significance. Review status: no assertion criteria provided. Collection method: clinical testing. Allele origin: unknown. Affected: yes. Study: The Canadian Open Genetics Repository (COGR). Not counted in ClinVar's aggregate classification.
Comment: The APP p.R328W variant was not identified in the literature but was identified in dbSNP (ID: rs200978018) and ClinVar (classified as uncertain significance by Illumina). The variant was identified in control databases in 48 of 282564 chromosomes at a frequency of 0.0001699, and was observed at the highest frequency in the European (non-Finnish) population in 43 of 129002 chromosomes (freq: 0.0003333) (Genome Aggregation Database March 6, 2019, v2.1.1). The p.R328 residue is conserved in mammals and more distantly related organisms however computational analyses (MUT Assesor, PolyPhen-2, SIFT, MutationTaster, Revel, FATHMM, MetaLR, DANN) provide inconsistent predictions regarding the impact to the protein; this information is not very predictive of pathogenicity. The variant occurs outside of the splicing consensus sequence and in silico or computational prediction software programs (Splice AI exome) do not predict a difference in splicing.Â¬â€ In summary, based on the above information the clinical significance of this variant cannot be determined with certainty at this time. This variant is classified as a variant of uncertain significance.

Literature cited by the submitters: PubMed 25617006 (cited by Mayo Clinic Laboratories, Mayo Clinic and Women's Health and Genetics/Laboratory Corporation of America, LabCorp); PubMed 32917274 (cited by Mayo Clinic Laboratories, Mayo Clinic and Women's Health and Genetics/Laboratory Corporation of America, LabCorp); PubMed 7633445 (cited by Mayo Clinic Laboratories, Mayo Clinic and Women's Health and Genetics/Laboratory Corporation of America, LabCorp).